The following is an entry in ClinVar:

NM_000133.4(F9):c.204G>C (p.Lys68Asn)

Gene: F9 (coagulation factor IX; plus strand). Cytogenetic location: Xq27.1.
Variant type: single nucleotide variant.
Coding change: c.204G>C on transcript NM_000133.4 (MANE Select); coding-DNA position 204, G replaced by C.
Protein change: p.Lys68Asn; replaces lysine 68 with asparagine.
Molecular consequence: missense variant.
Genome position (GRCh38, 1-based): chrX:139,537,125, G>C. VCF-style: chrX-139537125-G-C. GRCh37 (hg19) VCF-style: chrX-138619284-G-C.
Other names: c.204G>C, p.Lys68Asn (NM_001313913.2); short protein forms K68N.
Identifiers: ClinVar variation 3364993 (VCV003364993.1).

ClinVar aggregate classification (germline): Uncertain significance (1 of 4 stars; one submission).

gnomAD v4.1: 5 of 1,211,368 alleles (0.00041%); highest among the groups gnomAD compares: African/African-American, 0.0035%; no homozygotes.

Submission:

GeneDx
Classification: Uncertain significance. Last evaluated: 2023-12-05. Review status: criteria provided, single submitter. Criteria: GeneDx Variant Classification Process June 2021. Collection method: clinical testing. Allele origin: germline. Affected: yes.
Comment: Not observed at significant frequency in large population cohorts (gnomAD); In silico analysis supports that this missense variant does not alter protein structure/function; Has not been previously published as pathogenic or benign to our knowledge